The following is an entry in ClinVar:

ClinVar aggregate classification (germline): Uncertain significance. Review status: criteria provided, multiple submitters, no conflicts (2 of 4 stars). 2 submissions from 2 submitters: Uncertain significance (2). Last evaluated 2025-06-20.

Conditions:
Familial thoracic aortic aneurysm and aortic dissection (TAAD). Also called: Thoracic aortic aneurysms and dissections. Identifiers: Orphanet 91387, MedGen C4707243, MONDO:0019625.

gnomAD v4.1: 1 of 1,614,088 alleles (0.000062%); highest among the groups gnomAD compares: Non-Finnish European, 0.000085%; no homozygotes.

Submissions (2):

Ambry Genetics
Classification: Uncertain significance for Familial thoracic aortic aneurysm and aortic dissection. Last evaluated: 2025-06-20. Review status: criteria provided, single submitter. Criteria: Ambry Variant Classification Scheme 2023. Collection method: clinical testing. Allele origin: germline.
Comment: The p.A232E variant (also known as c.695C>A), located in coding exon 5 of the COL5A1 gene, results from a C to A substitution at nucleotide position 695. The alanine at codon 232 is replaced by glutamic acid, an amino acid with dissimilar properties. This amino acid position is highly conserved in available vertebrate species. In addition, the in silico prediction for this alteration is inconclusive. Based on the available evidence, the clinical significance of this variant remains unclear.

GeneDx
Classification: Uncertain significance. Last evaluated: 2023-03-02. Review status: criteria provided, single submitter. Criteria: GeneDx Variant Classification Process June 2021. Collection method: clinical testing. Allele origin: germline. Affected: yes.
Comment: Has not been previously published as pathogenic or benign to our knowledge; Not observed at significant frequency in large population cohorts (gnomAD); In silico analysis supports that this missense variant has a deleterious effect on protein structure/function; Not located in the triple helical region, where the majority of pathogenic missense variants occur (Symoens et al., 2012; HGMD)

NM_000093.5(COL5A1):c.695C>A (p.Ala232Glu)

Gene: COL5A1 (collagen type V alpha 1 chain; plus strand). Cytogenetic location: 9q34.3.
Variant type: single nucleotide variant.
Coding change: c.695C>A on transcript NM_000093.5 (MANE Select); coding-DNA position 695, C replaced by A.
Protein change: p.Ala232Glu; replaces alanine 232 with glutamic acid.
Molecular consequence: missense variant.
Genome position (GRCh38, 1-based): chr9:134,727,306, C>A. VCF-style: chr9-134727306-C-A. GRCh37 (hg19) VCF-style: chr9-137619152-C-A.
Other names: c.695C>A, p.Ala232Glu (NM_001278074.1); short protein forms A232E.
Identifiers: ClinVar variation 2578298 (VCV002578298.2), dbSNP rs1834699128, ClinGen allele CA375446261.
Genomic context (GRCh38, chr9:134,727,306, plus strand): 5'-GAGCGTCTCTTCTTTTCCAGGGTGACATCCAGCAGCTGCTCTTTGTCTCGGACCACCGGG[C>A]AGCTTATGATTACTGTGAGCACTACAGCCCTGACTGTGACACCGCAGTACCTGACACCCC-3'
Protein context (NP_000084.3, residues 222-242): QQLLFVSDHR[Ala232Glu]AYDYCEHYSP